The following is an entry in ClinVar:

NM_005912.3(MC4R):c.171del (p.Ser58fs)

Gene: MC4R (melanocortin 4 receptor; minus strand). Cytogenetic location: 18q21.32.
Variant type: Deletion.
Coding change: c.171del on transcript NM_005912.3 (MANE Select); coding-DNA position 171, one base deleted (C; older notation c.171delC).
Protein change: p.Ser58fs; shifts the reading frame from serine 58.
Molecular consequence: frameshift variant.
Genome position (GRCh38, 1-based): chr18:60,372,179, G deleted on the plus strand (C on the coding strand, the reverse complement: MC4R is on the minus strand). VCF-style (leftmost placement, unchanged base first): chr18-60372178-TG-T. GRCh37 (hg19) VCF-style: chr18-58039411-TG-T.
Other names: c.171del (NM_005912.2); short protein forms S58fs.
Identifiers: ClinVar variation 1803832 (VCV001803832.3), dbSNP rs746241281, ClinGen allele CA8980968.

ClinVar aggregate classification (germline): Pathogenic/Likely pathogenic. Review status: criteria provided, multiple submitters, no conflicts (2 of 4 stars). 3 submissions from 3 submitters: Pathogenic (2); Likely pathogenic (1). Last evaluated 2025-03-11.

Conditions:
BODY MASS INDEX QUANTITATIVE TRAIT LOCUS 20 (BMIQ20). Also called: MELANOCORTIN 4 RECEPTOR DEFICIENCY; MC4R DEFICIENCY. Identifiers: MedGen C4759928, OMIM 618406.
MC4R-related disorder. Also called: MC4R-related condition.

Allele frequency attached by ClinVar (database versions not stated): ExAC 0.00001; gnomAD exomes 0.00001.

Submissions (3):

GeneDx
Classification: Likely pathogenic. Last evaluated: 2025-03-11. Review status: criteria provided, single submitter. Criteria: GeneDx Variant Classification Process June 2021. Collection method: clinical testing. Allele origin: germline. Affected: yes.
Comment: Frameshift variant predicted to result in abnormal protein length as the last 275 amino acid(s) are replaced with 6 different amino acid(s), and other similar variants have been reported in HGMD; Not observed at significant frequency in large population cohorts (gnomAD); This variant is associated with the following publications: (PMID: 39552559, 12364415, 37601970)

New York Genome Center
Classification: Pathogenic for BODY MASS INDEX QUANTITATIVE TRAIT LOCUS 20. Last evaluated: 2021-07-24. Review status: criteria provided, single submitter. Criteria: NYGC Assertion Criteria 2020. Collection method: clinical testing. Allele origin: germline. Affected: yes. Observed: 1 heterozygote.
Comment: The c.171del, p.Ser58AlafsTer7 variant identified in the MC4R gene has been reported previously in a patient with obesity, hyperinsulinemia and hypertriglyceridemia (PMID:12364415). The variant alters the wild-type translational reading frame and is predicted to cause loss of normal protein function either through protein truncation or nonsense-mediated mRNA decay. The variant is absent in gnomAD v3.1.1 database indicating it is an extremely rare allele in the populations represented in this database. This truncation is within the first transmembrane domain and is presumably incompatible with a functional protein because domains closer to the C terminus are essential for receptor signaling and cell surface localization (PMID:12364415). Loss of function variants in MC4R are known to be pathogenic. Based on the available evidence, the heterozygous frameshift variant c.171del, p.Ser58AlafsTer7 variant in the MC4R gene is classified as pathogenic

Blueprint Genetics
Classification: Pathogenic for MC4R-related disorders. Last evaluated: 2020-02-03. Review status: criteria provided, single submitter. Criteria: ACMG Guidelines, 2015. Collection method: clinical testing. Allele origin: germline. Affected: yes. Observed: 2 variant alleles.